The following is an entry in ClinVar:

ClinVar aggregate classification (germline): Uncertain significance (1 of 4 stars; one submission).

Submission:

GeneDx
Classification: Uncertain significance. Last evaluated: 2025-01-14. Review status: criteria provided, single submitter. Criteria: GeneDx Variant Classification Process June 2021. Collection method: clinical testing. Allele origin: germline. Affected: yes.
Comment: Not observed at significant frequency in large population cohorts (gnomAD); In silico analysis indicates that this missense variant does not alter protein structure/function; Has not been previously published as pathogenic or benign to our knowledge

NM_000238.4(KCNH2):c.3394C>T (p.Pro1132Ser)

Gene: KCNH2 (potassium voltage-gated channel subfamily H member 2; minus strand). Cytogenetic location: 7q36.1.
Variant type: single nucleotide variant.
Coding change: c.3394C>T on transcript NM_000238.4 (MANE Select); coding-DNA position 3394, C replaced by T.
Protein change: p.Pro1132Ser; replaces proline 1132 with serine.
Molecular consequence: missense variant. On other transcripts: non-coding transcript variant (2).
Genome position (GRCh38, 1-based): chr7:150,945,451, G>A on the plus strand (C>T on the coding strand, the complement: KCNH2 is on the minus strand). VCF-style: chr7-150945451-G-A. GRCh37 (hg19) VCF-style: chr7-150642539-G-A.
Other names: c.3106C>T, p.Pro1036Ser (NM_001406753.1); c.2374C>T, p.Pro792Ser (NM_172057.3); short protein forms P1036S, P1132S, P792S.
Identifiers: ClinVar variation 4057083 (VCV004057083.1).